The following is an entry in ClinVar:

NM_001111125.3(IQSEC2):c.3884A>T (p.Gln1295Leu)

Gene: IQSEC2 (IQ motif and Sec7 domain ArfGEF 2; minus strand). Cytogenetic location: Xp11.22.
Variant type: single nucleotide variant.
Coding change: c.3884A>T on transcript NM_001111125.3 (MANE Select); coding-DNA position 3884, A replaced by T.
Protein change: p.Gln1295Leu; replaces glutamine 1295 with leucine.
Molecular consequence: missense variant. On other transcripts: 3 prime UTR variant (2).
Genome position (GRCh38, 1-based): chrX:53,234,802, T>A on the plus strand (A>T on the coding strand, the complement: IQSEC2 is on the minus strand). VCF-style: chrX-53234802-T-A. GRCh37 (hg19) VCF-style: chrX-53263984-T-A.
Other names: c.*369A>T (NM_001410736.1, NM_015075.2); short protein forms Q1295L.
Identifiers: ClinVar variation 2829967 (VCV002829967.3), dbSNP rs1230290080, ClinGen allele CA413140291.
Genomic context (GRCh38, chrX:53,234,802, plus strand): 5'-GGTGGGGCTGAGGCGGGAGGCGGTGGAATGGAGCCCAGCTGGGGCAAGGGTGGGGGCTGC[T>A]GGGGAGGTGGGGGAAGAGAGGGCTGCTGGGGTGGGAGGTAGGGTGGCGGGGCAGGGCCCG-3'
Protein context (NP_001104595.1, residues 1285-1305): PQQPSLPPPP[Gln1295Leu]QPPPLPQLGS

ClinVar aggregate classification (germline): Uncertain significance (1 of 4 stars; one submission).

Conditions:
Intellectual developmental disorder, X-linked 1. Also called: Atkin Flaitz Patil Smith syndrome; Intellectual disability, X-linked 1; MENTAL RETARDATION, X-LINKED 18; MENTAL RETARDATION, X-LINKED 78. Identifiers: Orphanet 777, MedGen C2931498, MONDO:0010656, OMIM 309530.

Submission:

Labcorp Genetics (formerly Invitae), Labcorp
Classification: Uncertain significance for Intellectual developmental disorder, X-linked 1. Last evaluated: 2023-01-24. Review status: criteria provided, single submitter. Criteria: Invitae Variant Classification Sherloc (09022015). Collection method: clinical testing. Allele origin: germline.
Comment: This sequence change replaces glutamine, which is neutral and polar, with leucine, which is neutral and non-polar, at codon 1295 of the IQSEC2 protein (p.Gln1295Leu). This variant is not present in population databases (gnomAD no frequency). This variant has not been reported in the literature in individuals affected with IQSEC2-related conditions. Advanced modeling of protein sequence and biophysical properties (such as structural, functional, and spatial information, amino acid conservation, physicochemical variation, residue mobility, and thermodynamic stability) performed at Invitae indicates that this missense variant is not expected to disrupt IQSEC2 protein function. In summary, the available evidence is currently insufficient to determine the role of this variant in disease. Therefore, it has been classified as a Variant of Uncertain Significance.